The following is an entry in ClinVar:

NM_003001.5(SDHC):c.254T>G (p.Phe85Cys)

Gene: SDHC (succinate dehydrogenase complex subunit C; plus strand). Cytogenetic location: 1q23.3.
Variant type: single nucleotide variant.
Coding change: c.254T>G on transcript NM_003001.5 (MANE Select); coding-DNA position 254, T replaced by G.
Protein change: p.Phe85Cys; replaces phenylalanine 85 with cysteine.
Molecular consequence: missense variant. On other transcripts: non-coding transcript variant (1), intron variant (3).
Genome position (GRCh38, 1-based): chr1:161,356,689, T>G. VCF-style: chr1-161356689-T-G. GRCh37 (hg19) VCF-style: chr1-161326479-T-G.
Other names: c.152T>G, p.Phe51Cys (NM_001035512.3); c.95T>G, p.Phe32Cys (NM_001035513.3); c.374T>G, p.Phe125Cys (NM_001407115.1); c.197T>G, p.Phe66Cys (NM_001407116.1); c.191T>G, p.Phe64Cys (NM_001407117.1); c.146T>G, p.Phe49Cys (NM_001407118.1); c.143T>G, p.Phe48Cys (NM_001407119.1, NM_001407120.1); c.242-5640T>G (NM_001035511.3); and 2 more; short protein forms F32C, F85C, F51C, F125C, F66C, F48C, F49C, F64C.
Identifiers: ClinVar variation 852785 (VCV000852785.9), dbSNP rs1672284859, ClinGen allele CA343456248.
Genomic context (GRCh38, chr1:161,356,689, plus strand): 5'-GTTGTAACTTATGAGCAGCTGTGACAAGCTACTTGGTTTTCTCCTCAGGGGTCTCTCTTT[T>G]TGGCATGTCGGCCCTGTTACTCCCTGGGAACTTTGAGTCTTATTTGGAACTTGTGAAGTC-3'
Protein context (NP_002992.1, residues 75-95): GIALSAGVSL[Phe85Cys]GMSALLLPGN

ClinVar aggregate classification (germline): Uncertain significance. Review status: criteria provided, multiple submitters, no conflicts (2 of 4 stars). 2 submissions from 2 submitters: Uncertain significance (2). Last evaluated 2025-09-29.

Conditions:
Pheochromocytoma/paraganglioma syndrome 3. Also called: GLOMUS TUMORS, FAMILIAL, 3; Paragangliomas 3; SDHC-Related Hereditary Paraganglioma-Pheochromocytoma Syndrome (Paragangliomas 3); SDHC-Related Hereditary Paraganglioma-Pheochromocytoma Syndrome. Identifiers: Orphanet 29072, MedGen C1854336, MONDO:0011544, OMIM 605373.
Gastrointestinal stromal tumor. Also called: Gastrointestinal stromal tumor, somatic; Gastrointestinal stroma tumor. Identifiers: Orphanet 44890, MedGen C0238198, MeSH D046152, MONDO:0011719, OMIM 606764, HP:0100723.
Hereditary cancer-predisposing syndrome. Also called: Neoplastic Syndromes, Hereditary; Tumor predisposition; Hereditary Cancer Syndrome; Hereditary neoplastic syndrome. Identifiers: Orphanet 140162, MedGen C0027672, MeSH D009386, MONDO:0015356.

Submissions (2):

Ambry Genetics
Classification: Uncertain significance for Hereditary cancer-predisposing syndrome. Last evaluated: 2025-09-29. Review status: criteria provided, single submitter. Criteria: Ambry Variant Classification Scheme 2023. Collection method: clinical testing. Allele origin: germline.
Comment: The p.F85C variant (also known as c.254T>G), located in coding exon 5 of the SDHC gene, results from a T to G substitution at nucleotide position 254. The phenylalanine at codon 85 is replaced by cysteine, an amino acid with highly dissimilar properties. This amino acid position is highly conserved in available vertebrate species. In addition, this alteration is predicted to be deleterious by in silico analysis. Based on the available evidence, the clinical significance of this variant remains unclear.

Labcorp Genetics (formerly Invitae), Labcorp
Classification: Uncertain significance for Pheochromocytoma/paraganglioma syndrome 3; Gastrointestinal stromal tumor. Last evaluated: 2023-02-27. Review status: criteria provided, single submitter. Criteria: Invitae Variant Classification Sherloc (09022015). Collection method: clinical testing. Allele origin: germline.
Comment: ClinVar contains an entry for this variant (Variation ID: 852785). This variant has not been reported in the literature in individuals affected with SDHC-related conditions. This variant is not present in population databases (gnomAD no frequency). This sequence change replaces phenylalanine, which is neutral and non-polar, with cysteine, which is neutral and slightly polar, at codon 85 of the SDHC protein (p.Phe85Cys). An algorithm developed to predict the effect of missense changes on protein structure and function (PolyPhen-2) suggests that this variant is likely to be disruptive. In summary, the available evidence is currently insufficient to determine the role of this variant in disease. Therefore, it has been classified as a Variant of Uncertain Significance.